The following is an entry in ClinVar:

ClinVar aggregate classification (germline): Uncertain significance (1 of 4 stars; one submission).

Conditions:
Neurofibromatosis, type 1 (NF1). Also called: VON RECKLINGHAUSEN DISEASE; Neurofibromatosis, type I; NEUROFIBROMATOSIS, TYPE I, SOMATIC; Peripheral type neurofibromatosis. Identifiers: Orphanet 636, MedGen C0027831, MONDO:0018975, OMIM 162200. Disease mechanism: loss of function.

Submission:

Labcorp Genetics (formerly Invitae), Labcorp
Classification: Uncertain significance for Neurofibromatosis, type 1. Last evaluated: 2025-04-09. Review status: criteria provided, single submitter. Criteria: Invitae Variant Classification Sherloc (09022015). Collection method: clinical testing. Allele origin: germline.
Comment: This sequence change replaces histidine, which is basic and polar, with asparagine, which is neutral and polar, at codon 1143 of the NF1 protein (p.His1143Asn). This variant is not present in population databases (gnomAD no frequency). This variant has not been reported in the literature in individuals affected with NF1-related conditions. Invitae Evidence Modeling of protein sequence and biophysical properties (such as structural, functional, and spatial information, amino acid conservation, physicochemical variation, residue mobility, and thermodynamic stability) has been performed for this missense variant. However, the output from this modeling did not meet the statistical confidence thresholds required to predict the impact of this variant on NF1 protein function. In summary, the available evidence is currently insufficient to determine the role of this variant in disease. Therefore, it has been classified as a Variant of Uncertain Significance.

NM_001042492.3(NF1):c.3427C>A (p.His1143Asn)

Gene: NF1 (neurofibromin 1; plus strand). Cytogenetic location: 17q11.2.
Variant type: single nucleotide variant.
Coding change: c.3427C>A on transcript NM_001042492.3 (MANE Select); coding-DNA position 3427, C replaced by A.
Protein change: p.His1143Asn; replaces histidine 1143 with asparagine.
Molecular consequence: missense variant.
Genome position (GRCh38, 1-based): chr17:31,232,812, C>A. VCF-style: chr17-31232812-C-A. GRCh37 (hg19) VCF-style: chr17-29559830-C-A.
Other names: c.3427C>A, p.His1143Asn (NM_000267.4); short protein forms H1143N.
Identifiers: ClinVar variation 4800750 (VCV004800750.1).